The following is an entry in ClinVar:

ClinVar aggregate classification (germline): Uncertain significance. Review status: criteria provided, multiple submitters, no conflicts (2 of 4 stars). 2 submissions from 2 submitters: Uncertain significance (2). Last evaluated 2025-03-16.

Submissions (2):

Labcorp Genetics (formerly Invitae), Labcorp
Classification: Uncertain significance. Last evaluated: 2025-03-16. Review status: criteria provided, single submitter. Criteria: Invitae Variant Classification Sherloc (09022015). Collection method: clinical testing. Allele origin: germline.
Comment: This sequence change falls in intron 2 of the INS gene. It does not directly change the encoded amino acid sequence of the INS protein. This variant is not present in population databases (gnomAD no frequency). This variant has not been reported in the literature in individuals affected with INS-related conditions. Experimental studies and prediction algorithms are not available or were not evaluated, and the effect of this variant on mRNA splicing is currently unknown. In summary, the available evidence is currently insufficient to determine the role of this variant in disease. Therefore, it has been classified as a Variant of Uncertain Significance.

GeneDx
Classification: Uncertain significance. Last evaluated: 2023-12-27. Review status: criteria provided, single submitter. Criteria: GeneDx Variant Classification Process June 2021. Collection method: clinical testing. Allele origin: germline.
Comment: Not observed at significant frequency in large population cohorts (gnomAD); In silico analysis supports a deleterious effect on splicing; Has not been previously published as pathogenic or benign to our knowledge

NM_000207.3(INS):c.188-5_188-4insGCGCAGTGGGGCACCTGCCACTGCGC

Genes: INS (insulin; minus strand), INS-IGF2 (INS-IGF2 readthrough; minus strand). Cytogenetic location: 11p15.5.
Variant type: Microsatellite.
Coding change: c.188-5_188-4insGCGCAGTGGGGCACCTGCCACTGCGC on transcript NM_000207.3 (MANE Select); 5 bases into the intron before coding-DNA position 188 through 4 bases into the intron before coding-DNA position 188, GCGCAGTGGGGCACCTGCCACTGCGC inserted.
Molecular consequence: intron variant.
Genome position: GRCh38 VCF-style: chr11-2160001-C-CCGCGCAGTGGCAGGTGCCCCACTGCG. GRCh37 (hg19) VCF-style: chr11-2181231-C-CCGCGCAGTGGCAGGTGCCCCACTGCG.
Other names: c.187+783_187+784insGCGCAGTGGGGCACCTGCCACTGCGC (NM_001042376.3); c.188-5_188-4insGCGCAGTGGGGCACCTGCCACTGCGC (NM_001185097.2, NM_001291897.2, NM_001185098.2).
Identifiers: ClinVar variation 2428828 (VCV002428828.6), dbSNP rs2495747999.
Genomic context (GRCh38, chr11:2,160,001, plus strand): 5'-GGGCCAAGGGCTGCAGGCTGCCTGCACCAGGGCCCCCGCCCAGCTCCACCTGCCCCACTG[C>CCGCGCAGTGGCAGGTGCCCCACTGCG]CAGGACGTGCCGCGCAGAGCAGGTTCCGGAACAGCGGCGAGGCAGAGGGACACAGGAGGA-3'